The following is an entry in ClinVar:

ClinVar aggregate classification (germline): Uncertain significance (1 of 4 stars; one submission).

Conditions:
Myoclonic dystonia 11 (DYT11). Also called: Myoclonic dystonia; Dystonia 11; DYT-SGCE; Dystonia, alcohol responsive; Hereditary essential myoclonus; SGCE Myoclonus-Dystonia. Identifiers: Orphanet 36899, MedGen C1834570, MONDO:0008044, OMIM 159900.

Allele frequency attached by ClinVar (database versions not stated): gnomAD exomes below 0.00001.
gnomAD v4.1: 1 of 1,613,730 alleles (0.000062%); highest among the groups gnomAD compares: Non-Finnish European, 0.000085%; no homozygotes.

Submission:

Labcorp Genetics (formerly Invitae), Labcorp
Classification: Uncertain significance for Myoclonic dystonia 11. Last evaluated: 2024-05-06. Review status: criteria provided, single submitter. Criteria: Invitae Variant Classification Sherloc (09022015). Collection method: clinical testing. Allele origin: germline.
Comment: This sequence change replaces leucine, which is neutral and non-polar, with phenylalanine, which is neutral and non-polar, at codon 335 of the SGCE protein (p.Leu335Phe). This variant is not present in population databases (gnomAD no frequency). This variant has not been reported in the literature in individuals affected with SGCE-related conditions. ClinVar contains an entry for this variant (Variation ID: 838398). Advanced modeling of protein sequence and biophysical properties (such as structural, functional, and spatial information, amino acid conservation, physicochemical variation, residue mobility, and thermodynamic stability) performed at Invitae indicates that this missense variant is expected to disrupt SGCE protein function with a positive predictive value of 80%. In summary, the available evidence is currently insufficient to determine the role of this variant in disease. Therefore, it has been classified as a Variant of Uncertain Significance.

NM_003919.3(SGCE):c.1003C>T (p.Leu335Phe)

Genes: CASD1 (CAS1 domain sialic acid O acetyltransferase 1; plus strand), SGCE (sarcoglycan epsilon; minus strand). Cytogenetic location: 7q21.3.
Variant type: single nucleotide variant.
Coding change: c.1003C>T on transcript NM_003919.3 (MANE Select); coding-DNA position 1003, C replaced by T.
Protein change: p.Leu335Phe; replaces leucine 335 with phenylalanine.
Molecular consequence: missense variant.
Genome position (GRCh38, 1-based): chr7:94,600,680, G>A on the plus strand (C>T on the coding strand, the complement: SGCE is on the minus strand). VCF-style: chr7-94600680-G-A. GRCh37 (hg19) VCF-style: chr7-94229992-G-A.
Other names: c.1003C>T, p.Leu335Phe (NM_001099400.2, NM_001099401.2, NM_001346717.2); c.880C>T, p.Leu294Phe (NM_001301139.2, NM_001362809.2); c.1111C>T, p.Leu371Phe (NM_001346713.2, NM_001346715.2); c.916C>T, p.Leu306Phe (NM_001346719.2, NM_001362807.2); c.730C>T, p.Leu244Phe (NM_001346720.2, NM_001362808.2); short protein forms L244F, L335F, L371F, L306F, L294F.
Identifiers: ClinVar variation 838398 (VCV000838398.9), dbSNP rs1799068772, ClinGen allele CA368230507.